The following is an entry in ClinVar:

NM_000051.4(ATM):c.7364T>A (p.Leu2455Gln)

Genes: ATM (ATM serine/threonine kinase; plus strand), C11orf65 (chromosome 11 open reading frame 65; minus strand). Cytogenetic location: 11q22.3.
Variant type: single nucleotide variant.
Coding change: c.7364T>A on transcript NM_000051.4 (MANE Select); coding-DNA position 7364, T replaced by A.
Protein change: p.Leu2455Gln; replaces leucine 2455 with glutamine.
Molecular consequence: missense variant. On other transcripts: intron variant (2).
Genome position (GRCh38, 1-based): chr11:108,330,270, T>A. VCF-style: chr11-108330270-T-A. GRCh37 (hg19) VCF-style: chr11-108200997-T-A.
Other names: c.7364T>A, p.Leu2455Gln (NM_001351834.2); c.641-21199A>T (NM_001330368.2); c.*38+4950A>T (NM_001351110.2); short protein forms L2455Q.
Identifiers: ClinVar variation 482658 (VCV000482658.10), dbSNP rs1555123056, ClinGen allele CA382559966.

ClinVar aggregate classification (germline): Uncertain significance. Review status: criteria provided, multiple submitters, no conflicts (2 of 4 stars). 2 submissions from 2 submitters: Uncertain significance (2). Last evaluated 2023-04-30.

Conditions:
Hereditary cancer-predisposing syndrome. Also called: Neoplastic Syndromes, Hereditary; Hereditary Cancer Syndrome; Tumor predisposition; Hereditary neoplastic syndrome. Identifiers: Orphanet 140162, MedGen C0027672, MeSH D009386, MONDO:0015356.
Ataxia-telangiectasia syndrome (AT). Also called: LOUIS-BAR SYNDROME; Cerebello-oculocutaneous telangiectasia; Immunodeficiency with ataxia telangiectasia; Ataxia-telangiectasia, complementation group D; AT, COMPLEMENTATION GROUP C; Ataxia-telangiectasia, complementation group E. Identifiers: Orphanet 100, MedGen C0004135, MONDO:0008840, OMIM 208900.

Submissions (2):

Labcorp Genetics (formerly Invitae), Labcorp
Classification: Uncertain significance for Ataxia-telangiectasia syndrome. Last evaluated: 2023-04-30. Review status: criteria provided, single submitter. Criteria: Invitae Variant Classification Sherloc (09022015). Collection method: clinical testing. Allele origin: germline.
Comment: In summary, the available evidence is currently insufficient to determine the role of this variant in disease. Therefore, it has been classified as a Variant of Uncertain Significance. This sequence change replaces leucine, which is neutral and non-polar, with glutamine, which is neutral and polar, at codon 2455 of the ATM protein (p.Leu2455Gln). This variant is not present in population databases (gnomAD no frequency). This variant has not been reported in the literature in individuals affected with ATM-related conditions. ClinVar contains an entry for this variant (Variation ID: 482658). An algorithm developed to predict the effect of missense changes on protein structure and function (PolyPhen-2) suggests that this variant is likely to be disruptive.

Ambry Genetics
Classification: Uncertain significance for Hereditary cancer-predisposing syndrome. Last evaluated: 2016-11-16. Review status: criteria provided, single submitter. Criteria: Ambry Variant Classification Scheme 2023. Collection method: clinical testing. Allele origin: germline.
Comment: The p.L2455Q variant (also known as c.7364T>A), located in coding exon 49 of the ATM gene, results from a T to A substitution at nucleotide position 7364. The leucine at codon 2455 is replaced by glutamine, an amino acid with dissimilar properties. This variant was not reported in population based cohorts in the following databases: Database of Single Nucleotide Polymorphisms (dbSNP), NHLBI Exome Sequencing Project (ESP), and 1000 Genomes Project. In the ESP, this variant was not observed in 6499 samples (12998 alleles) with coverage at this position. To date, this alteration has been detected with an allele frequency of approximately 0.001% (greater than 180000 alleles tested) in our clinical cohort. This amino acid position is highly conserved in available vertebrate species. In addition, this alteration is predicted to be deleterious by in silico analysis. Since supporting evidence is limited at this time, the clinical significance of this alteration remains unclear.